The following is an entry in ClinVar:

NM_002693.3(POLG):c.1019C>T (p.Pro340Leu)

Gene: POLG (DNA polymerase gamma, catalytic subunit; minus strand). Cytogenetic location: 15q26.1.
Variant type: single nucleotide variant.
Coding change: c.1019C>T on transcript NM_002693.3 (MANE Select); coding-DNA position 1019, C replaced by T.
Protein change: p.Pro340Leu; replaces proline 340 with leucine.
Molecular consequence: missense variant.
Genome position (GRCh38, 1-based): chr15:89,328,947, G>A on the plus strand (C>T on the coding strand, the complement: POLG is on the minus strand). VCF-style: chr15-89328947-G-A. GRCh37 (hg19) VCF-style: chr15-89872178-G-A.
Other names: c.1019C>T, p.Pro340Leu (NM_001126131.2); short protein forms P340L.
Identifiers: ClinVar variation 4802423 (VCV004802423.1).

ClinVar aggregate classification (germline): Uncertain significance (1 of 4 stars; one submission).

Conditions:
Progressive sclerosing poliodystrophy (MTDPS4A). Also called: ALPERS PROGRESSIVE INFANTILE POLIODYSTROPHY; NEURONAL DEGENERATION OF CHILDHOOD WITH LIVER DISEASE, PROGRESSIVE; Mitochondrial DNA Depletion Syndrome 4A; Alpers Syndrome; ALPERS DIFFUSE DEGENERATION OF CEREBRAL GRAY MATTER WITH HEPATIC CIRRHOSIS; Alpers-Huttenlocher Syndrome. Identifiers: Orphanet 726, MedGen C0205710, MONDO:0008758, OMIM 203700.

Submission:

Labcorp Genetics (formerly Invitae), Labcorp
Classification: Uncertain significance for Progressive sclerosing poliodystrophy. Last evaluated: 2025-03-19. Review status: criteria provided, single submitter. Criteria: Invitae Variant Classification Sherloc (09022015). Collection method: clinical testing. Allele origin: germline.
Comment: This sequence change replaces proline, which is neutral and non-polar, with leucine, which is neutral and non-polar, at codon 340 of the POLG protein (p.Pro340Leu). This variant is not present in population databases (gnomAD no frequency). This variant has not been reported in the literature in individuals affected with POLG-related conditions. Invitae Evidence Modeling of protein sequence and biophysical properties (such as structural, functional, and spatial information, amino acid conservation, physicochemical variation, residue mobility, and thermodynamic stability) indicates that this missense variant is not expected to disrupt POLG protein function with a negative predictive value of 95%. In summary, the available evidence is currently insufficient to determine the role of this variant in disease. Therefore, it has been classified as a Variant of Uncertain Significance.